The following is an entry in ClinVar:

ClinVar aggregate classification (germline): Uncertain significance. Review status: criteria provided, multiple submitters, no conflicts (2 of 4 stars). 3 submissions from 3 submitters: Uncertain significance (3). Last evaluated 2024-03-07.

Conditions:
Familial hemiplegic migraine. Identifiers: MedGen C0338484, MONDO:0000700.

Allele frequency attached by ClinVar (database versions not stated): TOPMed below 0.00001.

Submissions (3):

Labcorp Genetics (formerly Invitae), Labcorp
Classification: Uncertain significance for Familial hemiplegic migraine. Last evaluated: 2024-03-07. Review status: criteria provided, single submitter. Criteria: Invitae Variant Classification Sherloc (09022015). Collection method: clinical testing. Allele origin: germline.
Comment: This sequence change replaces leucine, which is neutral and non-polar, with phenylalanine, which is neutral and non-polar, at codon 94 of the ATP1A2 protein (p.Leu94Phe). This variant is not present in population databases (gnomAD no frequency). This variant has not been reported in the literature in individuals affected with ATP1A2-related conditions. ClinVar contains an entry for this variant (Variation ID: 388423). Advanced modeling of protein sequence and biophysical properties (such as structural, functional, and spatial information, amino acid conservation, physicochemical variation, residue mobility, and thermodynamic stability) performed at Invitae indicates that this missense variant is not expected to disrupt ATP1A2 protein function with a negative predictive value of 80%. In summary, the available evidence is currently insufficient to determine the role of this variant in disease. Therefore, it has been classified as a Variant of Uncertain Significance.

Blueprint Genetics
Classification: Uncertain significance. Last evaluated: 2022-04-11. Review status: criteria provided, single submitter. Criteria: ACMG Guidelines, 2015. Collection method: clinical testing. Allele origin: germline.

GeneDx
Classification: Uncertain significance. Last evaluated: 2016-08-08. Review status: criteria provided, single submitter. Criteria: GeneDx Variant Classification (06012015). Collection method: clinical testing. Allele origin: germline. Affected: yes.
Comment: A variant of uncertain significance has been identified in the ATP1A2 gene. The L94F variant has not been published as a pathogenic variant, nor has it been reported as a benign variant to our knowledge. It was not observed in approximately 6,500 individuals of European and African American ancestry in the NHLBI Exome Sequencing Project, indicating it is not a common benign variant in these populations. The L94F variant is a conservative amino acid substitution, which is not likely to impact secondary protein structure as these residues share similar properties. However, this substitution occurs at a position that is conserved across species, and in silico analysis predicts this variant is probably damaging to the protein structure/function. Therefore, based on the currently available information, it is unclear whether this variant is a pathogenic variant or a rare benign variant.

NM_000702.4(ATP1A2):c.280C>T (p.Leu94Phe)

Gene: ATP1A2 (ATPase Na+/K+ transporting subunit alpha 2; plus strand). Cytogenetic location: 1q23.2.
Variant type: single nucleotide variant.
Coding change: c.280C>T on transcript NM_000702.4 (MANE Select); coding-DNA position 280, C replaced by T.
Protein change: p.Leu94Phe; replaces leucine 94 with phenylalanine.
Molecular consequence: missense variant.
Genome position (GRCh38, 1-based): chr1:160,123,315, C>T. VCF-style: chr1-160123315-C-T. GRCh37 (hg19) VCF-style: chr1-160093105-C-T.
Other names: short protein forms L94F.
Identifiers: ClinVar variation 388423 (VCV000388423.5), dbSNP rs950102855, ClinGen allele CA16603482.